The following is an entry in ClinVar:

NM_000709.4(BCKDHA):c.656C>T (p.Ala219Val)

Gene: BCKDHA (branched chain keto acid dehydrogenase E1 subunit alpha; plus strand). Cytogenetic location: 19q13.2.
Variant type: single nucleotide variant.
Coding change: c.656C>T on transcript NM_000709.4 (MANE Select); coding-DNA position 656, C replaced by T.
Protein change: p.Ala219Val; replaces alanine 219 with valine.
Molecular consequence: missense variant.
Genome position (GRCh38, 1-based): chr19:41,422,173, C>T. VCF-style: chr19-41422173-C-T. GRCh37 (hg19) VCF-style: chr19-41928078-C-T.
Other names: c.656C>T, p.Ala219Val (NM_001164783.2); short protein forms A219V.
Identifiers: ClinVar variation 578797 (VCV000578797.5), dbSNP rs532361185, ClinGen allele CA9461233.

ClinVar aggregate classification (germline): Uncertain significance. Review status: criteria provided, multiple submitters, no conflicts (2 of 4 stars). 3 submissions from 3 submitters: Uncertain significance (2). 1 of the submissions does not count toward it. Last evaluated 2023-12-12.

Conditions:
Inborn genetic diseases. Identifiers: MedGen C0950123, MeSH D030342.
Maple syrup urine disease (MSUD). Identifiers: Orphanet 511, MedGen C0024776, MeSH D008375, MONDO:0009563. Disease mechanism: loss of function.
Maple syrup urine disease type 1A (MSUD1A). Also called: MSUD type 1A. Identifiers: MedGen C1855369, MONDO:0023691, OMIM 248600.

Allele frequency attached by ClinVar (database versions not stated): gnomAD 0.00001; gnomAD exomes 0.00001.
gnomAD v4.1: 22 of 1,613,358 alleles (0.0014%); highest among the groups gnomAD compares: African/African-American, 0.0067%; no homozygotes.

Submissions (3):

Ambry Genetics
Classification: Uncertain significance for Inborn genetic diseases. Last evaluated: 2023-12-12. Review status: criteria provided, single submitter. Criteria: Ambry Variant Classification Scheme 2023. Collection method: clinical testing. Allele origin: germline.

Labcorp Genetics (formerly Invitae), Labcorp
Classification: Uncertain significance for Maple syrup urine disease. Last evaluated: 2022-08-22. Review status: criteria provided, single submitter. Criteria: Invitae Variant Classification Sherloc (09022015). Collection method: clinical testing. Allele origin: germline.
Comment: This sequence change replaces alanine, which is neutral and non-polar, with valine, which is neutral and non-polar, at codon 219 of the BCKDHA protein (p.Ala219Val). This variant is present in population databases (rs532361185, gnomAD 0.003%). This variant has not been reported in the literature in individuals affected with BCKDHA-related conditions. ClinVar contains an entry for this variant (Variation ID: 578797). Advanced modeling of protein sequence and biophysical properties (such as structural, functional, and spatial information, amino acid conservation, physicochemical variation, residue mobility, and thermodynamic stability) performed at Invitae indicates that this missense variant is not expected to disrupt BCKDHA protein function. In summary, the available evidence is currently insufficient to determine the role of this variant in disease. Therefore, it has been classified as a Variant of Uncertain Significance.

Natera, Inc.
Classification: Uncertain significance for Maple syrup urine disease type 1A. Last evaluated: 2019-10-28. Review status: no assertion criteria provided. Collection method: clinical testing. Allele origin: germline. Not counted in ClinVar's aggregate classification.